The following is an entry in ClinVar:

ClinVar aggregate classification (germline): Likely benign (1 of 4 stars; one submission).

Allele frequency attached by ClinVar (database versions not stated): 1000 Genomes Project 0.00300; 1000 Genomes Project 30x 0.00344; TOPMed 0.00444; ESP Exome Variant Server 0.00446; gnomAD 0.00553; ExAC 0.00578; gnomAD exomes 0.00690.
gnomAD v4.1: 10,808 of 1,611,184 alleles (0.67%); highest among the groups gnomAD compares: Non-Finnish European, 0.78%; 46 homozygotes.

Submission:

CeGaT Center for Human Genetics Tuebingen
Classification: Likely benign. Last evaluated: 2023-04-01. Review status: criteria provided, single submitter. Criteria: CeGaT Center For Human Genetics Tuebingen Variant Classification Criteria Version 2. Collection method: clinical testing. Allele origin: germline. Affected: yes. Observed: 2 variant alleles.
Comment: UGT2B11: BP4, BS2

NM_001073.3(UGT2B11):c.1091G>A (p.Gly364Asp)

Genes: UGT2B11 (UDP glucuronosyltransferase family 2 member B11; minus strand), UGT2B11-AS1 (UGT2B11 antisense RNA 1; plus strand). Cytogenetic location: 4q13.2.
Variant type: single nucleotide variant.
Coding change: c.1091G>A on transcript NM_001073.3 (MANE Select); coding-DNA position 1091, G replaced by A.
Protein change: p.Gly364Asp; replaces glycine 364 with aspartic acid.
Molecular consequence: missense variant.
Genome position (GRCh38, 1-based): chr4:69,204,649, C>T on the plus strand (G>A on the coding strand, the complement: UGT2B11 is on the minus strand). VCF-style: chr4-69204649-C-T. GRCh37 (hg19) VCF-style: chr4-70070367-C-T.
Other names: short protein forms G364D.
Identifiers: ClinVar variation 2654783 (VCV002654783.24), dbSNP rs146890806, ClinGen allele CA2945134.